The following is an entry in ClinVar:

ClinVar aggregate classification (germline): Pathogenic. Review status: reviewed by expert panel (3 of 4 stars). 2 submissions from 2 submitters: Pathogenic (1). 1 of the submissions does not count toward it. Last evaluated 2017-12-15.

Conditions:
Familial cancer of breast. Also called: BREAST CANCER, FAMILIAL; Hereditary breast cancer; hereditary breast carcinoma. Identifiers: Orphanet 227535, MedGen C0346153, MONDO:0016419, OMIM 114480. Disease mechanism: loss of function.
Breast-ovarian cancer, familial, susceptibility to, 2 (BROVCA2). Also called: BRCA2 Hereditary Breast and Ovarian Cancer. Identifiers: Orphanet 145, MedGen C2675520, MONDO:0012933, OMIM 612555. Disease mechanism: loss of function.

Submissions (2):

Evidence-based Network for the Interpretation of Germline Mutant Alleles (ENIGMA)
Classification: Pathogenic for Breast-ovarian cancer, familial, susceptibility to, 2. Last evaluated: 2017-12-15. Review status: reviewed by expert panel. Criteria: ENIGMA BRCA1/2 Classification Criteria (2017-06-29). Collection method: curation. Allele origin: germline. Study: ENIGMA.
Comment: Variant allele predicted to encode a truncated non-functional protein.

ClinVar Staff, National Center for Biotechnology Information (NCBI)
No classification provided. Condition: Familial cancer of breast. Review status: no classification provided. Collection method: literature only. Allele origin: germline. Affected: yes. Not counted in ClinVar's aggregate classification.

Literature cited by the submitters: PubMed 10790213 (cited by ClinVar Staff, National Center for Biotechnology Information (NCBI)).

NM_000059.4(BRCA2):c.7082_7100dup (p.Thr2367_Leu2368insPheValTer)

Gene: BRCA2 (BRCA2 DNA repair associated; plus strand). Cytogenetic location: 13q13.1.
Variant type: Duplication.
Coding change: c.7082_7100dup on transcript NM_000059.4 (MANE Select); coding-DNA positions 7082 to 7100, 19 bases duplicated (ATTTGTATGAACATCTGAC).
Protein change: p.Thr2367_Leu2368insPheValTer.
Molecular consequence: nonsense, inframe insertion.
Genome position (GRCh38, 1-based): chr13:32,354,935-32,354,953, ATTTGTATGAACATCTGAC duplicated; duplicating any 19 consecutive bases within chr13:32,354,934-32,354,953 gives the same sequence; the c. name uses the placement nearest the transcript's 3' end. VCF-style (leftmost placement, unchanged base first): chr13-32354933-T-TCATTTGTATGAACATCTGA. GRCh37 (hg19) VCF-style: chr13-32929070-T-TCATTTGTATGAACATCTGA.
Other names: c.7082_7100dup19 (NM_000059.3).
Identifiers: ClinVar variation 52264 (VCV000052264.3), dbSNP rs397507895, ClinGen allele CA325947.